The following is an entry in ClinVar:

NM_000232.5(SGCB):c.12GGC[3] (p.Ala9del)

Genes: SGCB (sarcoglycan beta; minus strand), LOC129992585 (ATAC-STARR-seq lymphoblastoid silent region 15421; plus strand). Cytogenetic location: 4q12.
Variant type: Microsatellite.
Coding change: c.12GGC[3] on transcript NM_000232.5 (MANE Select); three copies in a row of the 3-base unit GGC starting at c.12; the reference has four copies in a row; one copy, 3 bases deleted.
Protein change: p.Ala9del; deletes alanine 9.
Molecular consequence: inframe deletion.
Genome position (GRCh38, 1-based): chr4:52,038,237-52,038,239, GCC deleted on the plus strand (GGC on the coding strand, the reverse complement: SGCB is on the minus strand); deleting any 3 consecutive bases within chr4:52,038,237-52,038,250 gives the same sequence; the position shown is the placement nearest the transcript's 3' end. VCF-style (leftmost placement, unchanged base first): chr4-52038236-AGCC-A. GRCh37 (hg19) VCF-style: chr4-52904402-AGCC-A.
Other names: c.21_23delGGC (NM_000232.4); short protein forms A9del.
Identifiers: ClinVar variation 978759 (VCV000978759.3), dbSNP rs768838951, ClinGen allele CA2918526.

ClinVar aggregate classification (germline): Conflicting classifications of pathogenicity. Review status: criteria provided, conflicting classifications (1 of 4 stars). 3 submissions from 3 submitters: Uncertain significance (1); Likely benign (2). Last evaluated 2024-10-24.

Conditions:
Primary dilated cardiomyopathy (DCM). Also called: Dilated Cardiomyopathy. Identifiers: Orphanet 217604, MedGen C0007193, MeSH D002311, MONDO:0005021, HP:0001644. Inheritance: Various modes of inheritance.

Submissions (3):

Blueprint Genetics
Classification: Likely benign. Last evaluated: 2024-10-24. Review status: criteria provided, single submitter. Criteria: ACMG Guidelines, 2015. Collection method: clinical testing. Allele origin: germline.

Women's Health and Genetics/Laboratory Corporation of America, LabCorp
Classification: Likely benign. Last evaluated: 2022-03-08. Review status: criteria provided, single submitter. Criteria: LabCorp Variant Classification Summary - May 2015. Collection method: clinical testing. Allele origin: germline.
Comment: Variant summary: SGCB c.21_23delGGC (p.Ala9del) results in an in-frame deletion that is predicted to remove one amino acid from the encoded protein. The variant allele was found at a frequency of 0.0041 in 37246 control chromosomes (gnomAD). The observed variant frequency is approximately 4 fold of the estimated maximal expected allele frequency for a pathogenic variant in SGCB causing Limb-Girdle Muscular Dystrophy, Autosomal Recessive phenotype (0.001), strongly suggesting that the variant is benign. c.21_23delGGC has been reported in the literature as a VUS (zygosity not specified) in settings of multigene panel testing in at-least one individual affected dilated cardiomyopathy without evidence for causality (Al-Shafai_2020). This report does not provide unequivocal conclusions about association of the variant with Limb-Girdle Muscular Dystrophy, Autosomal Recessive. To our knowledge, no experimental evidence demonstrating an impact on protein function has been reported. No clinical diagnostic laboratories have submitted clinical-significance assessments for this variant to ClinVar after 2014. Based on the evidence outlined above, the variant was classified as likely benign.

Genetics and Genomics Program, Sidra Medicine
Classification: Uncertain significance for Primary dilated cardiomyopathy. Review status: criteria provided, single submitter. Criteria: ACMG Guidelines, 2015. Collection method: research. Allele origin: unknown. Affected: yes. Observed: 1 variant allele.

Literature cited by the submitters: PubMed 34137518 (cited by Women's Health and Genetics/Laboratory Corporation of America, LabCorp).